The following is an entry in ClinVar:

ClinVar aggregate classification (germline): Uncertain significance. Review status: criteria provided, multiple submitters, no conflicts (2 of 4 stars). 2 submissions from 2 submitters: Uncertain significance (2). Last evaluated 2024-11-08.

Conditions:
Emery-Dreifuss muscular dystrophy 5, autosomal dominant (EDMD5). Also called: EMERY-DREIFUSS MUSCULAR DYSTROPHY 5. Identifiers: Orphanet 261, MedGen C2751805, MONDO:0013072, OMIM 612999.

gnomAD v4.1: 7 of 1,613,178 alleles (0.00043%); highest among the groups gnomAD compares: South Asian, 0.0077%; no homozygotes.

Submissions (2):

Ambry Genetics
Classification: Uncertain significance. Last evaluated: 2024-11-08. Review status: criteria provided, single submitter. Criteria: Ambry Variant Classification Scheme 2023. Collection method: clinical testing. Allele origin: germline.

Labcorp Genetics (formerly Invitae), Labcorp
Classification: Uncertain significance for Emery-Dreifuss muscular dystrophy 5, autosomal dominant. Last evaluated: 2024-05-23. Review status: criteria provided, single submitter. Criteria: Invitae Variant Classification Sherloc (09022015). Collection method: clinical testing. Allele origin: germline.
Comment: This sequence change replaces aspartic acid, which is acidic and polar, with glutamic acid, which is acidic and polar, at codon 679 of the SYNE2 protein (p.Asp679Glu). This variant is present in population databases (rs536201389, gnomAD 0.01%). This variant has not been reported in the literature in individuals affected with SYNE2-related conditions. Algorithms developed to predict the effect of missense changes on protein structure and function output the following: SIFT: "Not Available"; PolyPhen-2: "Benign"; Align-GVGD: "Not Available". The glutamic acid amino acid residue is found in multiple mammalian species, which suggests that this missense change does not adversely affect protein function. In summary, the available evidence is currently insufficient to determine the role of this variant in disease. Therefore, it has been classified as a Variant of Uncertain Significance.

NM_182914.3(SYNE2):c.2037T>G (p.Asp679Glu)

Gene: SYNE2 (spectrin repeat containing nuclear envelope protein 2; plus strand). Cytogenetic location: 14q23.2.
Variant type: single nucleotide variant.
Coding change: c.2037T>G on transcript NM_182914.3 (MANE Select); coding-DNA position 2037, T replaced by G.
Protein change: p.Asp679Glu; replaces aspartic acid 679 with glutamic acid.
Molecular consequence: missense variant.
Genome position (GRCh38, 1-based): chr14:63,983,772, T>G. VCF-style: chr14-63983772-T-G. GRCh37 (hg19) VCF-style: chr14-64450490-T-G.
Other names: c.2037T>G, p.Asp679Glu (NM_015180.6); short protein forms D679E.
Identifiers: ClinVar variation 3451919 (VCV003451919.3).